The following is an entry in ClinVar:

NM_001673.5(ASNS):c.97C>T (p.Arg33Cys)

Genes: ASNS (asparagine synthetase (glutamine-hydrolyzing); minus strand), CZ1P-ASNS (CZ1P-ASNS readthrough; minus strand). Cytogenetic location: 7q21.3.
Variant type: single nucleotide variant.
Coding change: c.97C>T on transcript NM_001673.5 (MANE Select); coding-DNA position 97, C replaced by T.
Protein change: p.Arg33Cys; replaces arginine 33 with cysteine.
Molecular consequence: missense variant. On other transcripts: non-coding transcript variant (1), intron variant (2).
Genome position (GRCh38, 1-based): chr7:97,869,060, G>A on the plus strand (C>T on the coding strand, the complement: ASNS is on the minus strand). VCF-style: chr7-97869060-G-A. GRCh37 (hg19) VCF-style: chr7-97498372-G-A.
Other names: c.97C>T, p.Arg33Cys (NM_133436.3, NM_001352496.2, NM_183356.4); c.34C>T, p.Arg12Cys (NM_001178075.2); c.-1+3291C>T (NM_001178076.2); c.-1+2981C>T (NM_001178077.1); short protein forms R33C, R12C.
Identifiers: ClinVar variation 434402 (VCV000434402.11), dbSNP rs759224338, ClinGen allele CA4354846.
Genomic context (GRCh38, chr7:97,869,060, plus strand): 5'-CTACCGCCAACCGGTGAAATCCAAAGCAGCAGTTGGTGTATCCATTGACATTCTCAAAAC[G>A]GAATGCATCTGGACCTCTGTGTGCAATCTTCATAGCACTCAGACACTGAACAGAAAGGCA-3'
Protein context (NP_001664.3, residues 23-43): KIAHRGPDAF[Arg33Cys]FENVNGYTNC

ClinVar aggregate classification (germline): Pathogenic/Likely pathogenic. Review status: criteria provided, multiple submitters, no conflicts (2 of 4 stars). 4 submissions from 4 submitters: Pathogenic (1); Likely pathogenic (3). Last evaluated 2025-08-07.

Conditions:
Congenital microcephaly - severe encephalopathy - progressive cerebral atrophy syndrome. Also called: ASNS DEFICIENCY; Asparagine synthetase deficiency. Identifiers: Orphanet 391376, MedGen C3809971, MONDO:0014258, OMIM 615574.

Allele frequency attached by ClinVar (database versions not stated): gnomAD exomes below 0.00001; TOPMed below 0.00001; ExAC 0.00001.
gnomAD v4.1: 7 of 1,614,162 alleles (0.00043%); highest among the groups gnomAD compares: South Asian, 0.0022%; no homozygotes.

Submissions (4):

Natera, Inc.
Classification: Likely pathogenic for Asparagine synthetase deficiency. Last evaluated: 2025-08-07. Review status: criteria provided, single submitter. Criteria: Natera Variant Classification Schema (03/2026). Collection method: clinical testing. Allele origin: germline.
Comment: The c.97C>T variant in ASNS is a missense variant predicted to cause substitution of arginine to cysteine at amino acid 33. This variant is rare in the general population with a frequency below the threshold expected for the associated phenotype(s). This variant has been observed in one or more individuals affected with the associated recessive disease, as either homozygous or compound heterozygous with a second variant (PMID: 38180615, 37900678). This variant has been identified in one or more affected individuals with a phenotype highly consistent with the associated gene (PMID:38180615, 37900678). Computational prediction algorithms indicate this variant is likely to affect gene or protein function. Given the available evidence, this variant is classified as Likely Pathogenic.

3billion
Classification: Likely pathogenic for Congenital microcephaly - severe encephalopathy - progressive cerebral atrophy syndrome. Last evaluated: 2025-01-03. Review status: criteria provided, single submitter. Criteria: ACMG Guidelines, 2015. Collection method: clinical testing. Allele origin: germline. Affected: yes.
Comment: The variant is observed at an extremely low frequency in the gnomAD v4.1.0 dataset (total allele frequency: <0.001%). Predicted Consequence/Location: Missense variant In silico tool predictions suggest damaging effect of the variant on gene or gene product [3Cnet: 0.91 (>=0.6, sensitivity 0.72 and precision 0.9)]. The same nucleotide change resulting in the same amino acid change has been previously reported as pathogenic/likely pathogenic with strong evidence (ClinVar ID: VCV000434402). Therefore, this variant is classified as Likely pathogenic according to the recommendation of ACMG/AMP guideline.

Laboratory of Human Genetics, Universidade de São Paulo
Classification: Pathogenic for Congenital microcephaly - severe encephalopathy - progressive cerebral atrophy syndrome. Last evaluated: 2022-05-13. Review status: criteria provided, single submitter. Criteria: ACMG Guidelines, 2015. Collection method: research. Allele origin: biparental. Affected: yes. Observed: 1 homozygote.
Comment: This variant meets our criteria to be classified as pathogenic based upon segregation studies, extremely low frequency, and in-silico evaluation of pathogenicity.

Genetic Services Laboratory, University of Chicago
Classification: Likely pathogenic. Last evaluated: 2017-08-15. Review status: criteria provided, single submitter. Criteria: ACMG Guidelines, 2015. Collection method: clinical testing. Allele origin: germline. Affected: yes.

Literature cited by the submitters: PubMed 38180615 (cited by Natera, Inc.); PubMed 37900678 (cited by Natera, Inc.).